The following is an entry in ClinVar:

ClinVar aggregate classification (germline): Uncertain significance (1 of 4 stars; one submission).

gnomAD v4.1: 4 of 1,614,136 alleles (0.00025%); highest among the groups gnomAD compares: East Asian, 0.0089%; no homozygotes.

Submission:

Labcorp Genetics (formerly Invitae), Labcorp
Classification: Uncertain significance. Last evaluated: 2024-02-06. Review status: criteria provided, single submitter. Criteria: Invitae Variant Classification Sherloc (09022015). Collection method: clinical testing. Allele origin: germline.
Comment: This sequence change replaces isoleucine, which is neutral and non-polar, with phenylalanine, which is neutral and non-polar, at codon 1161 of the KAT6A protein (p.Ile1161Phe). This variant is not present in population databases (gnomAD no frequency). This variant has not been reported in the literature in individuals affected with KAT6A-related conditions. Advanced modeling of protein sequence and biophysical properties (such as structural, functional, and spatial information, amino acid conservation, physicochemical variation, residue mobility, and thermodynamic stability) performed at Invitae indicates that this missense variant is not expected to disrupt KAT6A protein function with a negative predictive value of 80%. In summary, the available evidence is currently insufficient to determine the role of this variant in disease. Therefore, it has been classified as a Variant of Uncertain Significance.

NM_006766.5(KAT6A):c.3481A>T (p.Ile1161Phe)

Gene: KAT6A (lysine acetyltransferase 6A; minus strand). Cytogenetic location: 8p11.21.
Variant type: single nucleotide variant.
Coding change: c.3481A>T on transcript NM_006766.5 (MANE Select); coding-DNA position 3481, A replaced by T.
Protein change: p.Ile1161Phe; replaces isoleucine 1161 with phenylalanine.
Molecular consequence: missense variant.
Genome position (GRCh38, 1-based): chr8:41,934,739, T>A on the plus strand (A>T on the coding strand, the complement: KAT6A is on the minus strand). VCF-style: chr8-41934739-T-A. GRCh37 (hg19) VCF-style: chr8-41792257-T-A.
Other names: short protein forms I1161F.
Identifiers: ClinVar variation 3693244 (VCV003693244.2).